The following is an entry in ClinVar:

GRCh38/hg38 12q13.3-14.2(chr12:57013355-63042498)x1

Genes: AGAP2 (ArfGAP with GTPase domain, ankyrin repeat and PH domain 2; minus strand), AGAP2-AS1 (AGAP2 antisense RNA 1; plus strand), ARHGAP9 (Rho GTPase activating protein 9; minus strand), ARHGEF25 (Rho guanine nucleotide exchange factor 25; plus strand), ATP23 (ATP23 metallopeptidase and ATP synthase assembly factor homolog) and 196 more. Cytogenetic location: 12q13.3-14.2.
Variant type: copy number loss.
Change: copy number 1 (one copy instead of two) of chr12:57,013,355-63,042,498 (6.03 Mb, GRCh38 coordinates, 1-based), cytogenetic band 12q13.3-14.2.
Identifiers: ClinVar variation 59019 (VCV000059019.1).

ClinVar aggregate classification (germline): Pathogenic (1 of 4 stars; one submission).

Submission:

ISCA site 15
Classification: Pathogenic. Last evaluated: 2011-08-12. Review status: criteria provided, single submitter. Criteria: Kaminsky et al. (Genet Med. 2011). Collection method: clinical testing. Allele origin: de novo. Affected: yes. Observed: 1 variant allele.
Comment: Copy number variation identified through the course of routine clinical cytogenomic testing in postnatal populations. Clinical assertions have been curated as described in Kaminsky et al. 2011.